The following is an entry in ClinVar:

NM_003611.3(OFD1):c.1609A>C (p.Thr537Pro)

Gene: OFD1 (OFD1 centriole and centriolar satellite protein; plus strand). Cytogenetic location: Xp22.2.
Variant type: single nucleotide variant.
Coding change: c.1609A>C on transcript NM_003611.3 (MANE Select); coding-DNA position 1609, A replaced by C.
Protein change: p.Thr537Pro; replaces threonine 537 with proline.
Molecular consequence: missense variant.
Genome position (GRCh38, 1-based): chrX:13,758,403, A>C. VCF-style: chrX-13758403-A-C. GRCh37 (hg19) VCF-style: chrX-13776522-A-C.
Other names: NC_000023.10:g.13776522A>C; c.1489A>C, p.Thr497Pro (NM_001330209.2, NM_001440948.1); c.1189A>C, p.Thr397Pro (NM_001330210.2); c.1609A>C, p.Thr537Pro (NM_001440947.1); short protein forms T397P, T497P, T537P.
Identifiers: ClinVar variation 4076539 (VCV004076539.2).
Genomic context (GRCh38, chrX:13,758,403, plus strand): 5'-CATTCTGCACAGCTGAAGGCCCAGATTCTAGGTTACAAAGCTTCTGTAAAGAGTTTAACT[A>C]CTCAGGTTGCCGATTTAAAATTGCAACTGAAGCAAACTCAGACAGGTTAGAGACGTTTTA-3'
Protein context (NP_003602.1, residues 527-547): GYKASVKSLT[Thr537Pro]QVADLKLQLK

ClinVar aggregate classification (germline): Uncertain significance (1 of 4 stars; one submission).

Submissions (2):

GeneDx
Classification: Uncertain significance. Last evaluated: 2025-02-24. Review status: criteria provided, single submitter. Criteria: GeneDx Variant Classification Process June 2021. Collection method: clinical testing. Allele origin: germline. Affected: yes.
Comment: Not observed at significant frequency in large population cohorts (gnomAD); In silico analysis indicates that this missense variant does not alter protein structure/function; Has not been previously published as pathogenic or benign to our knowledge

Dr. Peter K. Rogan Lab, Western University
No classification provided (evidence only). Condition: Thyroid cancer, nonmedullary, 1. Review status: no classification provided. Collection method: in vitro. Allele origin: not applicable. Functional consequence: retained intron. Not counted in ClinVar's aggregate classification.